The following is an entry in ClinVar:

NM_001034853.2(RPGR):c.470-19C>T

Gene: RPGR (retinitis pigmentosa GTPase regulator; minus strand). Cytogenetic location: Xp11.4.
Variant type: single nucleotide variant.
Coding change: c.470-19C>T on transcript NM_001034853.2 (MANE Select); 19 bases into the intron before coding-DNA position 470, C replaced by T.
Molecular consequence: intron variant.
Genome position (GRCh38, 1-based): chrX:38,317,484, G>A on the plus strand (C>T on the coding strand, the complement: RPGR is on the minus strand). VCF-style: chrX-38317484-G-A. GRCh37 (hg19) VCF-style: chrX-38176737-G-A.
Other names: c.467-19C>T (NM_001367249.1); c.470-19C>T (NM_001367250.1, NM_001367245.1, NM_001367251.1 and 3 more transcripts); c.500-19C>T (NM_001367248.1).
Identifiers: ClinVar variation 1622131 (VCV001622131.10), dbSNP rs752337687, ClinGen allele CA10385638.

ClinVar aggregate classification (germline): Likely benign. Review status: reviewed by expert panel (3 of 4 stars). 3 submissions from 3 submitters: Likely benign (1). 2 of the submissions do not count toward it. Last evaluated 2025-09-07.

Conditions:
Primary ciliary dyskinesia. Also called: Ciliary dyskinesia. Identifiers: Orphanet 244, MedGen C0008780, MONDO:0016575, HP:0012265.
RPGR-related retinopathy. Also called: RPGR retinopathy. Identifiers: MedGen CN305589, MONDO:0100437.

Allele frequency attached by ClinVar (database versions not stated): gnomAD exomes 0.00001; gnomAD 0.00002; TOPMed 0.00002.

Submissions (3):

ClinGen X-linked Inherited Retinal Disease Variant Curation Expert Panel, ClinGen
Classification: Likely benign for RPGR-related retinopathy. Last evaluated: 2025-09-07. Review status: reviewed by expert panel. Criteria: ClinGen X LinkedIRD ACMG Specifications RPGR V1.0.0. Collection method: curation. Allele origin: germline. Inheritance: X-linked inheritance.
Comment: NM_001034853.2(RPGR):c.470-19C>T is an intron 5 variant located 19 nucleotides before exon 6. This variant is present in gnomAD v4.1.0 at a frequency of 0.00001563 among hemizygous individuals, with 6 variant alleles / 383,877 total hemizygous alleles, which is higher than the ClinGen X-linked IRD VCEP BS1 threshold of >0.000005 (BS1). The splicing impact predictor SpliceAI gives a delta score of 0.01 for donor gain, which is below the ClinGen X- linked IRD VCEP recommended threshold of <0.1 and does not strongly predict an impact on splicing (BP4). In summary, this variant is classified as likely benign for RPGR-related retinopathy based on the ClinGen X-linked Inherited Retinal Disease Expert Panel Specifications to the ACMG/AMP Variant Interpretation Guidelines for RPGR Version 1.0.0; BS1, BP4.

Labcorp Genetics (formerly Invitae), Labcorp
Classification: Likely benign for Primary ciliary dyskinesia. Last evaluated: 2025-07-02. Review status: criteria provided, single submitter. Criteria: Invitae Variant Classification Sherloc (09022015). Collection method: clinical testing. Allele origin: germline. Not counted in ClinVar's aggregate classification.

Blueprint Genetics
Classification: Likely benign. Last evaluated: 2022-12-13. Review status: criteria provided, single submitter. Criteria: ACMG Guidelines, 2015. Collection method: clinical testing. Allele origin: germline. Not counted in ClinVar's aggregate classification.